The following is an entry in ClinVar:

NM_003839.4(TNFRSF11A):c.181A>G (p.Thr61Ala)

Gene: TNFRSF11A (TNF receptor superfamily member 11a; plus strand). Cytogenetic location: 18q21.33.
Variant type: single nucleotide variant.
Coding change: c.181A>G on transcript NM_003839.4 (MANE Select); coding-DNA position 181, A replaced by G.
Protein change: p.Thr61Ala; replaces threonine 61 with alanine.
Molecular consequence: missense variant.
Genome position (GRCh38, 1-based): chr18:62,349,835, A>G. VCF-style: chr18-62349835-A-G. GRCh37 (hg19) VCF-style: chr18-60017068-A-G.
Other names: c.181A>G, p.Thr61Ala (NM_001270949.2, NM_001270950.2, NM_001270951.2 and 1 more transcripts); short protein forms T61A.
Identifiers: ClinVar variation 2815948 (VCV002815948.3), dbSNP rs1329983213, ClinGen allele CA402610373.
Genomic context (GRCh38, chr18:62,349,835, plus strand): 5'-TTTTGATGGTTGCATTTTTCTCCCTCATTTTTTTAAGGAAAGTACATGTCTTCTAAATGC[A>G]CTACTACCTCTGACAGTGTATGTCTGCCCTGTGGCCCGGATGAATACTTGGATAGCTGGA-3'
Protein context (NP_003830.1, residues 51-71): EPGKYMSSKC[Thr61Ala]TTSDSVCLPC

ClinVar aggregate classification (germline): Uncertain significance (1 of 4 stars; one submission).

Allele frequency attached by ClinVar (database versions not stated): gnomAD exomes below 0.00001.
gnomAD v4.1: 2 of 1,614,094 alleles (0.00012%); highest among the groups gnomAD compares: Non-Finnish European, 0.00017%; no homozygotes.

Submission:

Labcorp Genetics (formerly Invitae), Labcorp
Classification: Uncertain significance. Last evaluated: 2023-03-04. Review status: criteria provided, single submitter. Criteria: Invitae Variant Classification Sherloc (09022015). Collection method: clinical testing. Allele origin: germline.
Comment: This sequence change replaces threonine, which is neutral and polar, with alanine, which is neutral and non-polar, at codon 61 of the TNFRSF11A protein (p.Thr61Ala). This variant is present in population databases (no rsID available, gnomAD 0.0009%). This variant has not been reported in the literature in individuals affected with TNFRSF11A-related conditions. Advanced modeling of protein sequence and biophysical properties (such as structural, functional, and spatial information, amino acid conservation, physicochemical variation, residue mobility, and thermodynamic stability) performed at Invitae indicates that this missense variant is expected to disrupt TNFRSF11A protein function. In summary, the available evidence is currently insufficient to determine the role of this variant in disease. Therefore, it has been classified as a Variant of Uncertain Significance.